The following is an entry in ClinVar:

ClinVar aggregate classification (germline): Uncertain significance (1 of 4 stars; one submission).

Conditions:
Welander distal myopathy (WDM). Also called: Gower's muscular dystrophy; Welander distal myopathy, Swedish type; Distal myopathy, Swedish type; MUSCULAR DYSTROPHY, DISTAL, LATE-ONSET, AUTOSOMAL DOMINANT. Identifiers: Orphanet 603, MedGen C0221054, MONDO:0011466, OMIM 604454.

Submission:

Labcorp Genetics (formerly Invitae), Labcorp
Classification: Uncertain significance for Welander distal myopathy. Last evaluated: 2024-06-11. Review status: criteria provided, single submitter. Criteria: Invitae Variant Classification Sherloc (09022015). Collection method: clinical testing. Allele origin: germline.
Comment: This sequence change falls in intron 2 of the TIA1 gene. It does not directly change the encoded amino acid sequence of the TIA1 protein. This variant is not present in population databases (gnomAD no frequency). This variant has not been reported in the literature in individuals affected with TIA1-related conditions. Algorithms developed to predict the effect of sequence changes on RNA splicing suggest that this variant may create or strengthen a splice site. In summary, the available evidence is currently insufficient to determine the role of this variant in disease. Therefore, it has been classified as a Variant of Uncertain Significance.

NM_022173.4(TIA1):c.123+2_123+8dup

Gene: TIA1 (TIA1 cytotoxic granule associated RNA binding protein; minus strand). Cytogenetic location: 2p13.3.
Variant type: Duplication.
Coding change: c.123+2_123+8dup on transcript NM_022173.4 (MANE Select); the canonical splice donor site of the intron after coding-DNA position 123 through 8 bases into the intron after coding-DNA position 123, 7 bases duplicated (TAAGGGT; older notation c.123+2_123+8dupTAAGGGT).
Molecular consequence: splice donor variant. On other transcripts: intron variant (2).
Genome position (GRCh38, 1-based): chr2:70,236,071-70,236,077, ACCCTTA duplicated on the plus strand (TAAGGGT on the coding strand, the reverse complement: TIA1 is on the minus strand). VCF-style (leftmost placement, unchanged base first): chr2-70236070-T-TACCCTTA. GRCh37 (hg19) VCF-style: chr2-70463202-T-TACCCTTA.
Other names: c.12+2_12+8dup (NM_001351513.1, NM_001351511.1); c.14_18+2dup (NM_001351512.1); c.-72-5223_-72-5217dup (NM_001351514.2, NM_001351523.2); c.-293+2_-293+8dup (NM_001351524.2); c.-516+2_-516+8dup (NM_001351517.2); c.123+2_123+8dup (NM_001351510.2, NM_022037.4, NM_001351508.2 and 5 more transcripts); c.-331+2_-331+8dup (NM_001351525.2); c.-267+2_-267+8dup (NM_001351515.2); and 1 more.
Identifiers: ClinVar variation 3691858 (VCV003691858.2).